The following is an entry in ClinVar:

ClinVar aggregate classification (germline): Uncertain significance (1 of 4 stars; one submission).

Allele frequency attached by ClinVar (database versions not stated): gnomAD exomes below 0.00001.
gnomAD v4.1: 2 of 1,612,628 alleles (0.00012%); highest among the groups gnomAD compares: Non-Finnish European, 0.00017%; no homozygotes.

Submission:

Labcorp Genetics (formerly Invitae), Labcorp
Classification: Uncertain significance. Last evaluated: 2022-10-09. Review status: criteria provided, single submitter. Criteria: Invitae Variant Classification Sherloc (09022015). Collection method: clinical testing. Allele origin: germline.
Comment: In summary, the available evidence is currently insufficient to determine the role of this variant in disease. Therefore, it has been classified as a Variant of Uncertain Significance. Advanced modeling of protein sequence and biophysical properties (such as structural, functional, and spatial information, amino acid conservation, physicochemical variation, residue mobility, and thermodynamic stability) performed at Invitae indicates that this missense variant is not expected to disrupt ENPP1 protein function. This variant has not been reported in the literature in individuals affected with ENPP1-related conditions. This variant is not present in population databases (gnomAD no frequency). This sequence change replaces tyrosine, which is neutral and polar, with histidine, which is basic and polar, at codon 312 of the ENPP1 protein (p.Tyr312His).

NM_006208.3(ENPP1):c.934T>C (p.Tyr312His)

Gene: ENPP1 (ectonucleotide pyrophosphatase/phosphodiesterase 1; plus strand). Cytogenetic location: 6q23.2.
Variant type: single nucleotide variant.
Coding change: c.934T>C on transcript NM_006208.3 (MANE Select); coding-DNA position 934, T replaced by C.
Protein change: p.Tyr312His; replaces tyrosine 312 with histidine.
Molecular consequence: missense variant.
Genome position (GRCh38, 1-based): chr6:131,861,613, T>C. VCF-style: chr6-131861613-T-C. GRCh37 (hg19) VCF-style: chr6-132182753-T-C.
Other names: short protein forms Y312H.
Identifiers: ClinVar variation 1934331 (VCV001934331.5), dbSNP rs2483479264, ClinGen allele CA365668990.
Genomic context (GRCh38, chr6:131,861,613, plus strand): 5'-TGTTTGCATGATTTCTTAATTTTCCTTCATTTTCTGCTCCAGATTTGGGTCACAGCTAAG[T>C]ATCAAGGCCTCAAGTCTGGCACATTTTTCTGGCCAGGATCAGATGTGGAAATTAACGGAA-3'
Protein context (NP_006199.2, residues 302-322): KGEPIWVTAK[Tyr312His]QGLKSGTFFW